The following is an entry in ClinVar:

NM_001987.5(ETV6):c.338T>C (p.Leu113Pro)

Gene: ETV6 (ETS variant transcription factor 6; plus strand). Cytogenetic location: 12p13.2.
Variant type: single nucleotide variant.
Coding change: c.338T>C on transcript NM_001987.5 (MANE Select); coding-DNA position 338, T replaced by C.
Protein change: p.Leu113Pro; replaces leucine 113 with proline.
Molecular consequence: missense variant.
Genome position (GRCh38, 1-based): chr12:11,853,436, T>C. VCF-style: chr12-11853436-T-C. GRCh37 (hg19) VCF-style: chr12-12006370-T-C.
Other names: c.335T>C, p.Leu112Pro (NM_001413913.1); c.311T>C, p.Leu104Pro (NM_001413914.1); c.74T>C, p.Leu25Pro (NM_001413915.1); c.338T>C, p.Leu113Pro (NM_001413916.1, NM_001413917.1); short protein forms L104P, L113P, L112P, L25P.
Identifiers: ClinVar variation 4618842 (VCV004618842.1).

ClinVar aggregate classification (germline): Uncertain significance (1 of 4 stars; one submission).

Conditions:
Inborn genetic diseases. Identifiers: MedGen C0950123, MeSH D030342.

Submission:

Ambry Genetics
Classification: Uncertain significance for Inborn genetic diseases. Last evaluated: 2025-09-22. Review status: criteria provided, single submitter. Criteria: Ambry Variant Classification Scheme 2023. Collection method: clinical testing. Allele origin: germline.
Comment: The p.L113P variant (also known as c.338T>C), located in coding exon 4 of the ETV6 gene, results from a T to C substitution at nucleotide position 338. The leucine at codon 113 is replaced by proline, an amino acid with similar properties. This amino acid position is conserved. In addition, this alteration is predicted to be deleterious by in silico analysis. Based on the available evidence, the clinical significance of this variant remains unclear.